The following is an entry in ClinVar:

NM_001184880.2(PCDH19):c.1804C>T (p.Arg602Ter)

Gene: PCDH19 (protocadherin 19; minus strand). Cytogenetic location: Xq22.1.
Variant type: single nucleotide variant.
Coding change: c.1804C>T on transcript NM_001184880.2 (MANE Select); coding-DNA position 1804, C replaced by T.
Protein change: p.Arg602Ter; replaces arginine 602 with a stop codon.
Molecular consequence: nonsense.
Genome position (GRCh38, 1-based): chrX:100,406,794, G>A on the plus strand (C>T on the coding strand, the complement: PCDH19 is on the minus strand). VCF-style: chrX-100406794-G-A. GRCh37 (hg19) VCF-style: chrX-99661792-G-A.
Other names: c.1804C>T, p.Arg602Ter (NM_001105243.2, NM_020766.3); short protein forms R602*.
Identifiers: ClinVar variation 941449 (VCV000941449.13), dbSNP rs1928365677, ClinGen allele CA414001934.

ClinVar aggregate classification (germline): Pathogenic. Review status: criteria provided, multiple submitters, no conflicts (2 of 4 stars). 4 submissions from 4 submitters: Pathogenic (4). Last evaluated 2024-08-01.

Conditions:
Developmental and epileptic encephalopathy, 9 (DEE9). Also called: Early infantile epileptic encephalopathy 9; EPILEPSY, FEMALE-RESTRICTED, WITH MENTAL RETARDATION; PCDH19-Related X-Linked Female-Limited Epilepsy with Mental Retardation; JUBERG-HELLMAN SYNDROME. Identifiers: Orphanet 101039, Orphanet 2076, MedGen C1848137, MONDO:0010246, OMIM 300088. Disease mechanism: loss of function.

Submissions (4):

GeneDx
Classification: Pathogenic. Last evaluated: 2024-08-01. Review status: criteria provided, single submitter. Criteria: GeneDx Variant Classification Process June 2021. Collection method: clinical testing. Allele origin: germline. Affected: yes.
Comment: Nonsense variant predicted to result in protein truncation or nonsense mediated decay in a gene for which loss of function is a known mechanism of disease; Not observed at significant frequency in large population cohorts (gnomAD); This variant is associated with the following publications: (PMID: 30287595, 30451291, 31714027, 36801247, 22267240)

Labcorp Genetics (formerly Invitae), Labcorp
Classification: Pathogenic for Developmental and epileptic encephalopathy, 9. Last evaluated: 2022-06-20. Review status: criteria provided, single submitter. Criteria: Invitae Variant Classification Sherloc (09022015). Collection method: clinical testing. Allele origin: germline.
Comment: This premature translational stop signal has been observed in individual(s) with early-onset epilepsy (PMID: 22267240, 22946748). For these reasons, this variant has been classified as Pathogenic. ClinVar contains an entry for this variant (Variation ID: 941449). This variant is not present in population databases (gnomAD no frequency). This sequence change creates a premature translational stop signal (p.Arg602*) in the PCDH19 gene. It is expected to result in an absent or disrupted protein product. Loss-of-function variants in PCDH19 are known to be pathogenic (PMID: 21053371).

Fulgent Genetics
Classification: Pathogenic for Developmental and epileptic encephalopathy, 9. Last evaluated: 2022-01-03. Review status: criteria provided, single submitter. Criteria: ACMG Guidelines, 2015. Collection method: clinical testing. Allele origin: unknown.

Neuberg Centre For Genomic Medicine, NCGM
Classification: Pathogenic for Developmental and epileptic encephalopathy, 9. Review status: criteria provided, single submitter. Criteria: ACMG Guidelines, 2015. Collection method: clinical testing. Allele origin: germline. Affected: yes.
Comment: The stop gained p.R602* in PCDH19 (NM_001184880.2) has been reported previously in affected individuals (Depienne C et al,Marini C et al). The variant has been submitted to ClinVar as Pathogenic.The p.R602* variant is novel (not in any individuals) in gnomAD Exomes and is novel (not in any individuals) in 1000 Genomes. This variant is predicted to cause loss of normal protein function through protein truncation. Loss of function variants are known to be disease causing. For these reasons, this variant has been classified as Pathogenic.

Literature cited by the submitters: PubMed 22267240 (cited by Labcorp Genetics (formerly Invitae), Labcorp); PubMed 22946748 (cited by Labcorp Genetics (formerly Invitae), Labcorp); PubMed 21053371 (cited by Labcorp Genetics (formerly Invitae), Labcorp).